The following is an entry in ClinVar:

ClinVar aggregate classification (germline): Uncertain significance (1 of 4 stars; one submission).

Allele frequency attached by ClinVar (database versions not stated): TOPMed below 0.00001; gnomAD 0.00001.
gnomAD v4.1: 6 of 1,608,814 alleles (0.00037%); highest among the groups gnomAD compares: Non-Finnish European, 0.00051%; no homozygotes.

Submission:

Ambry Genetics
Classification: Uncertain significance. Last evaluated: 2023-03-16. Review status: criteria provided, single submitter. Criteria: Ambry Variant Classification Scheme 2023. Collection method: clinical testing. Allele origin: germline.
Comment: The p.A88V variant (also known as c.263C>T), located in coding exon 3 of the STAP1 gene, results from a C to T substitution at nucleotide position 263. The alanine at codon 88 is replaced by valine, an amino acid with similar properties. This amino acid position is conserved. In addition, this alteration is predicted to be tolerated by in silico analysis. Since supporting evidence is limited at this time, the clinical significance of this alteration remains unclear.

NM_012108.4(STAP1):c.263C>T (p.Ala88Val)

Genes: STAP1 (signal transducing adaptor family member 1; plus strand), LOC123477751 (Sharpr-MPRA regulatory region 12077; plus strand). Cytogenetic location: 4q13.2.
Variant type: single nucleotide variant.
Coding change: c.263C>T on transcript NM_012108.4 (MANE Select); coding-DNA position 263, C replaced by T.
Protein change: p.Ala88Val; replaces alanine 88 with valine.
Molecular consequence: missense variant.
Genome position (GRCh38, 1-based): chr4:67,575,455, C>T. VCF-style: chr4-67575455-C-T. GRCh37 (hg19) VCF-style: chr4-68441173-C-T.
Other names: c.263C>T, p.Ala88Val (NM_001317769.2); short protein forms A88V.
Identifiers: ClinVar variation 2563489 (VCV002563489.2), dbSNP rs759385053, ClinGen allele CA2937494.